The following is an entry in ClinVar:

NM_001009944.3(PKD1):c.1396G>C (p.Val466Leu)

Gene: PKD1 (polycystin 1, transient receptor potential channel interacting; minus strand). Cytogenetic location: 16p13.3.
Variant type: single nucleotide variant.
Coding change: c.1396G>C on transcript NM_001009944.3 (MANE Select); coding-DNA position 1396, G replaced by C.
Protein change: p.Val466Leu; replaces valine 466 with leucine.
Molecular consequence: missense variant.
Genome position (GRCh38, 1-based): chr16:2,117,043, C>G on the plus strand (G>C on the coding strand, the complement: PKD1 is on the minus strand). VCF-style: chr16-2117043-C-G. GRCh37 (hg19) VCF-style: chr16-2167044-C-G.
Other names: c.1396G>C, p.Val466Leu (NM_000296.4); short protein forms V466L.
Identifiers: ClinVar variation 3579762 (VCV003579762.5).

ClinVar aggregate classification (germline): Conflicting classifications of pathogenicity. Review status: criteria provided, conflicting classifications (1 of 4 stars). 5 submissions from 5 submitters: Likely pathogenic (2); Uncertain significance (3). Last evaluated 2026-03-03.

Conditions:
PKD1-related disorder. Also called: PKD1-related condition.
Cystic renal disease.
Polycystic kidney disease, adult type (PKD1). Also called: Polycystic Kidney Disease 1, Autosomal Dominant; Polycystic kidney disease 1; Polycystic kidney disease 1, severe; Polycystic Kidney, Autosomal Dominant; POLYCYSTIC KIDNEY DISEASE, ADULT, TYPE I; POLYCYSTIC KIDNEY DISEASE 1 WITH OR WITHOUT POLYCYSTIC LIVER DISEASE. Identifiers: MedGen C3149841, MONDO:0008263, OMIM 173900.

Submissions (5):

Genetics Laboratory, Great Ormond Street Hospital NHS Foundation Trust, North Thames Genomic Laboratory Hub
Classification: Likely pathogenic for Cystic renal disease. Last evaluated: 2026-03-03. Review status: criteria provided, single submitter. Criteria: ACGS Best Practice Guidelines for Variant Classification in Rare Disease 2024 v1.2. Collection method: clinical testing. Allele origin: germline. Affected: yes.
Comment: PS4_supporting, PM2_moderate, PM5_moderate, PP4_supporting

3billion
Classification: Uncertain significance for Polycystic kidney disease, adult type. Last evaluated: 2026-01-26. Review status: criteria provided, single submitter. Criteria: ACMG Guidelines, 2015. Collection method: clinical testing. Allele origin: germline. Affected: yes.
Comment: The variant is not observed in the gnomAD v4.1.0 dataset. Predicted Consequence/Location: Missense variant In silico tool predictions suggest damaging effect of the variant on gene or gene product [3Cnet: 0.90 (> 0.75, sensitivity 0.96 and precision 0.92)]. The same nucleotide change resulting in the same amino acid change has been previously reported to be associated with PKD1-related disorder (ClinVar ID: VCV003579762). A different missense change at the same codon (p.Val466Met) has been reported to be associated with PKD1-related disorder (ClinVar ID: VCV000447971 /PMID: 26453610). However the evidence of pathogenicity is insufficient at this time. Therefore, this variant is classified as VUS according to the recommendation of ACMG/AMP guideline.

PreventionGenetics, part of Exact Sciences
Classification: Uncertain significance for PKD1-related condition. Last evaluated: 2025-09-30. Review status: criteria provided, single submitter. Criteria: ACMG Guidelines, 2015. Collection method: clinical testing. Allele origin: germline.
Comment: The PKD1 c.1396G>C variant is predicted to result in the amino acid substitution p.Val466Leu. To our knowledge, this variant has not been reported in the literature or in a large population database (gnomAD), indicating this variant is rare. Of note, a different substitution at the same codon, defined as c.1396G>A (p.Val466Met), has been reported to be pathogenic for autosomal dominant polycystic kidney disease (ADPKD) (see for example, Table S6, Hwang et al. 2016. PubMed ID: 26453610; de novo in Orisio et al. 2023. PubMed ID: 37231942; Topak et al. 2023. PubMed ID: 37078890). Although we suspect that the c.1396G>C (p.Val466Leu) variant may be pathogenic, at this time, the clinical significance of this variant is uncertain due to the absence of conclusive functional and genetic evidence.

Women's Health and Genetics/Laboratory Corporation of America, LabCorp
Classification: Uncertain significance. Last evaluated: 2025-05-02. Review status: criteria provided, single submitter. Criteria: LabCorp Variant Classification Summary - May 2015. Collection method: clinical testing. Allele origin: germline.
Comment: Variant summary: PKD1 c.1396G>C (p.Val466Leu) results in a conservative amino acid change in the encoded protein sequence. Four of five in-silico tools predict a benign effect of the variant on protein function. The variant was absent in 127600 control chromosomes (gnomAD). c.1396G>C has been observed in an individual affected with Polycystic Kidney Disease (Rossetti_2007). These data do not allow any conclusion about variant significance. Another missense change affecting this residue has been determined to be pathogenic (c.1396G>A, p.Val466Met), supporting the clinical relevance of this amino acid to PKD1 function. To our knowledge, no experimental evidence demonstrating an impact on protein function has been reported. The following publication has been ascertained in the context of this evaluation (PMID: 17582161). ClinVar contains an entry for this variant (Variation ID: 3579762). Based on the evidence outlined above, the variant was classified as VUS-possibly pathogenic.

Fulgent Genetics
Classification: Likely pathogenic for Polycystic kidney disease, adult type. Last evaluated: 2024-06-19. Review status: criteria provided, single submitter. Criteria: ACMG Guidelines, 2015. Collection method: clinical testing. Allele origin: germline.

Literature cited by the submitters: PubMed 26453610 (cited by 3billion); PubMed 17582161 (cited by Women's Health and Genetics/Laboratory Corporation of America, LabCorp).